The following is an entry in ClinVar:

NM_001009944.3(PKD1):c.6288T>C (p.Phe2096=)

Gene: PKD1 (polycystin 1, transient receptor potential channel interacting; minus strand). Cytogenetic location: 16p13.3.
Variant type: single nucleotide variant.
Coding change: c.6288T>C on transcript NM_001009944.3 (MANE Select); coding-DNA position 6288, T replaced by C.
Protein change: p.Phe2096=; no amino-acid change (phenylalanine 2096 retained).
Molecular consequence: synonymous variant.
Genome position (GRCh38, 1-based): chr16:2,108,879, A>G on the plus strand (T>C on the coding strand, the complement: PKD1 is on the minus strand). VCF-style: chr16-2108879-A-G. GRCh37 (hg19) VCF-style: chr16-2158880-A-G.
Other names: c.6288T>C, p.Phe2096= (NM_000296.4).
Identifiers: ClinVar variation 3054833 (VCV003054833.2), dbSNP rs989765080, ClinGen allele CA276780822.

ClinVar aggregate classification (germline): Likely benign (0 of 4 stars; one submission).

Conditions:
PKD1-related disorder. Also called: PKD1-related condition.

Allele frequency attached by ClinVar (database versions not stated): gnomAD exomes below 0.00001; gnomAD 0.00003; TOPMed 0.00008.

Submission:

PreventionGenetics, part of Exact Sciences
Classification: Likely benign for PKD1-related condition. Last evaluated: 2020-12-08. Review status: no assertion criteria provided. Collection method: clinical testing. Allele origin: germline.
Comment: This variant is classified as likely benign based on ACMG/AMP sequence variant interpretation guidelines (Richards et al. 2015 PMID: 25741868, with internal and published modifications).